The following continues an entry in ClinVar:

NM_001083116.3(PRF1):c.50del (p.Leu17fs)

Gene: PRF1. ClinVar aggregate classification (germline): Pathogenic. Pathogenic (21).

Submissions 16 to 23 of 23:

Women's Health and Genetics/Laboratory Corporation of America, LabCorp
Classification: Pathogenic for Familial hemophagocytic lymphohistiocytosis. Last evaluated: 2020-06-25. Review status: criteria provided, single submitter. Criteria: LabCorp Variant Classification Summary - May 2015. Collection method: clinical testing. Allele origin: germline.
Comment: Variant summary: PRF1 c.50delT (p.Leu17ArgfsX34) results in a premature termination codon, predicted to cause a truncation of the encoded protein or absence of the protein due to nonsense mediated decay, which are commonly known mechanisms for disease. The variant allele was found at a frequency of 0.00024 in 231966 control chromosomes and at a frequency of 0.0032 among individuals of African descent. c.50delT has been reported in the literature in multiple individuals affected with Familial Hemophagocytic Lymphohistiocytosis (example, Stepp_1999, Sanchez_2012, Higa_2013, Zhang_2014, Wojcik_2019). At-least one of these reports suggests a potential digenic mode of inheritance of FHL as a result of a synergistic function effect within genes involved in cytotoxic lymphocyte degranulation (Zhang_2014). It has also been reported as a well recognized cause of Familial Hemophagocytic Lymphohistiocytosis among individuals of African descent (Lee_2006). These data indicate that the variant is very likely to be associated with disease. To our knowledge, no experimental evidence demonstrating an impact on protein function has been reported. Four clinical diagnostic laboratories have submitted clinical-significance assessments for this variant to ClinVar after 2014 without evidence for independent evaluation. All laboratories classified the variant as pathogenic. Based on the evidence outlined above, the variant was classified as pathogenic.

Illumina Laboratory Services, Illumina
Classification: Pathogenic for Familial hemophagocytic lymphohistiocytosis 2. Last evaluated: 2018-10-03. Review status: criteria provided, single submitter. Criteria: ICSL Variant Classification Criteria 09 May 2019. Collection method: clinical testing. Allele origin: germline.
Comment: The PRF1 c.50delT (p.Leu17ArgfsTer34) variant results in a frameshift and is predicted to result in premature termination of the protein. The p.Leu17ArgfsTer34 variant has been described in four studies in which it is found in a homozygous state in 36 probands and in a compound heterozygous state in 11 probands (Stepp et al. 1999; Lee et al. 2006; Trizzino et al. 2008; Higa et al. 2013). The p.Leu17ArgfsTer34 variant was reported in seven of 58 control chromosomes and is reported at a reported frequency of 0.003926 in the African population of the Exome Aggregation Consortium. Individuals who were homozygous for the variant were found to have absent NK cytolytic activity, individuals who were compound heterozygotes for the variant were shown to have activity levels of between 1 - 5% of wild type. Perforin expression was severely reduced or undetectable (Stepp et al. 1999; Lee et al. 2006; Trizzino et al. 2008; Higa et al. 2013). Haplotype analysis showed that the p.Leu17ArgfsTer34 variant is inherited as part of a common haplotype, commonly seen in affected individuals of African descent associated with an earlier age of onset compared to other variants in the PRF1 gene (Lee et al. 2006). Based on the potential impact of truncating variants and collective evidence, the p.Leu17ArgfsTer34variant is classified as pathogenic for familial hemophagocytic lymphohistiocytosis. This variant was observed by ICSL as part of a predisposition screen in an ostensibly healthy population.

Genome Diagnostics Laboratory, The Hospital for Sick Children
Classification: Pathogenic for Autoinflammatory syndrome. Last evaluated: 2018-04-17. Review status: criteria provided, single submitter. Criteria: ACMG Guidelines, 2015. Collection method: clinical testing. Allele origin: germline. Affected: yes.

Department of Genetics, Sultan Qaboos University Hospital
Classification: Pathogenic for Familial hemophagocytic lymphohistiocytosis 2. Last evaluated: 2017-12-30. Review status: criteria provided, single submitter. Criteria: ACMG Guidelines, 2015. Collection method: curation. Allele origin: unknown. Affected: yes.

Clinical Genetics and Genomics, Karolinska University Hospital
Classification: Pathogenic. Last evaluated: 2015-10-22. Review status: criteria provided, single submitter. Criteria: ACMG Guidelines, 2015. Collection method: clinical testing. Allele origin: germline. Affected: yes. Observed: 2 variant alleles.

Rady Children's Institute for Genomic Medicine, Rady Children's Hospital San Diego
Classification: Pathogenic for Hemophagocytic lymphohistiocytosis, familial, 2. Review status: criteria provided, single submitter. Criteria: ACMG Guidelines, 2015. Collection method: clinical testing. Allele origin: germline.
Comment: This frameshifting variant in exon 2 of 3 is predicted to result in loss of normal protein function through either protein truncation or nonsense-mediated mRNA decay. Loss-of-function variation in PRF1 is an established mechanism of disease (PMID:17873118). This variant has been previously reported as a homozygous and compound heterozygous change in individuals with familial hemophagocytic lymphohistiocytosis (PMID: 10583959, 22437823, 23255033, 29239076, 34083498). The c.50del (p.Leu17ArgfsTer34) variant is present in the heterozygous state in the gnomAD population database at a frequency of 0.03% (87/263362) and thus is presumed to be rare. Based on the available evidence, c.50del (p.Leu17ArgfsTer34) is classified as Pathogenic.

OMIM
Classification: Pathogenic for HEMOPHAGOCYTIC LYMPHOHISTIOCYTOSIS, FAMILIAL, 2. Last evaluated: 1999-12-03. Review status: no assertion criteria provided. Collection method: literature only. Allele origin: germline. Not counted in ClinVar's aggregate classification.

GeneReviews
No classification provided. Condition: Familial hemophagocytic lymphohistiocytosis 2. Review status: no classification provided. Collection method: literature only. Allele origin: germline. Not counted in ClinVar's aggregate classification.
Comment: High frequency in African American population [Lee et al 2006]

Literature cited by the submitters: PubMed 1156555 (cited by Labcorp Genetics (formerly Invitae), Labcorp); PubMed 16860143 (cited by 6 submitters); PubMed 10583959 (cited by 6 submitters); PubMed 14757862 (cited by Labcorp Genetics (formerly Invitae), Labcorp and Dasa); PubMed 17873118 (cited by 3 submitters); PubMed 22437823 (cited by 4 submitters); PubMed 23255033 (cited by 5 submitters); PubMed 30658162 (cited by Dasa); PubMed 32542393 (cited by 3 submitters); PubMed 24578718 (cited by Dasa); PubMed 30045285 (cited by Dasa); PubMed 24916509 (cited by Mayo Clinic Laboratories, Mayo Clinic and Women's Health and Genetics/Laboratory Corporation of America, LabCorp); PubMed 29239076 (cited by Mayo Clinic Laboratories, Mayo Clinic); PubMed 31395954 (cited by Mayo Clinic Laboratories, Mayo Clinic and Women's Health and Genetics/Laboratory Corporation of America, LabCorp); PubMed 33570715 (cited by Mayo Clinic Laboratories, Mayo Clinic); PubMed 34083498 (cited by Mayo Clinic Laboratories, Mayo Clinic); PubMed 35835228 (cited by Mayo Clinic Laboratories, Mayo Clinic); PubMed 36706356 (cited by Mayo Clinic Laboratories, Mayo Clinic).